The following is an entry in ClinVar:

NM_000261.2(MYOC):c.1035A>G (p.Ile345Met)

Gene: MYOC (myocilin; minus strand). Cytogenetic location: 1q24.3.
Variant type: single nucleotide variant.
Coding change: c.1035A>G on transcript NM_000261.2 (MANE Select); coding-DNA position 1035, A replaced by G.
Protein change: p.Ile345Met; replaces isoleucine 345 with methionine.
Molecular consequence: missense variant.
Genome position (GRCh38, 1-based): chr1:171,636,405, T>C on the plus strand (A>G on the coding strand, the complement: MYOC is on the minus strand). VCF-style: chr1-171636405-T-C. GRCh37 (hg19) VCF-style: chr1-171605545-T-C.
Other names: NM_000261.2:c.1035A>G; short protein forms I345M.
Identifiers: ClinVar variation 2442283 (VCV002442283.2), dbSNP rs2527839311, ClinGen allele CA343724987.

ClinVar aggregate classification (germline): Uncertain significance (3 of 4 stars; one submission).

Conditions:
Open-angle glaucoma. Identifiers: MedGen C0017612, MONDO:0005338, HP:0012108.

Submission:

ClinGen Glaucoma Variant Curation Expert Panel
Classification: Uncertain significance for Open-angle glaucoma. Last evaluated: 2026-01-20. Review status: reviewed by expert panel. Criteria: ClinGen Glaucoma ACMG Specifications V2.0.0 Approved. Collection method: curation. Allele origin: germline. Inheritance: Autosomal dominant inheritance.
Comment: The c.1035A>G variant in MYOC is a missense variant predicted to cause substitution of Isoleucine by Methionine at amino acid 345 (p.Ile345Met). This variant was not found in any genetic ancestry group of gnomAD (v4.1.0), meeting the ≤ 0.0001 threshold set for PM2_Supporting in a genetic ancestry group of at least 10,000 alleles. The REVEL score = 0.596, which was neither above nor below the thresholds for PP3 (≥ 0.644) or BP4 (≤ 0.290), predicting a damaging or benign impact on MYOC function. There was no functional evidence predicting a damaging or benign impact of this variant on MYOC function. Only 1 proband with primary open angle glaucoma had been reported (PMID: 12442283), not meeting the ≥ 2 probands threshold required to meet PS4_Supporting. In summary, this variant met the criteria to receive a score of 1 and to be classified as a variant of uncertain significance (uncertain significance classification range -1 to 5, adapted from PMID: 32720330) for primary open angle glaucoma based on the ACMG/AMP criteria met, as specified by the ClinGen Glaucoma VCEP (v2.0.0, 5 Dec 2024): PM2_Supporting